The following is an entry in ClinVar:

ClinVar aggregate classification (germline): Likely benign. Review status: criteria provided, multiple submitters, no conflicts (2 of 4 stars). 3 submissions from 3 submitters: Likely benign (3). Last evaluated 2026-01-25.

Conditions:
Inborn genetic diseases. Identifiers: MedGen C0950123, MeSH D030342.
Mosaic variegated aneuploidy syndrome 1 (MVA1). Also called: Warburton-Anyane-Yeboa syndrome. Identifiers: Orphanet 1052, MedGen C1850343, MONDO:0009759, OMIM 257300.

gnomAD v4.1: 6 of 1,614,156 alleles (0.00037%); highest among the groups gnomAD compares: South Asian, 0.0011%; no homozygotes.

Submissions (3):

Labcorp Genetics (formerly Invitae), Labcorp
Classification: Likely benign for Mosaic variegated aneuploidy syndrome 1. Last evaluated: 2026-01-25. Review status: criteria provided, single submitter. Criteria: Invitae Variant Classification Sherloc (09022015). Collection method: clinical testing. Allele origin: germline.

CeGaT Center for Human Genetics Tuebingen
Classification: Likely benign. Last evaluated: 2025-09-01. Review status: criteria provided, single submitter. Criteria: CeGaT Center For Human Genetics Tuebingen Variant Classification Criteria Version 2. Collection method: clinical testing. Allele origin: germline. Affected: yes. Observed: 1 variant allele.
Comment: BUB1B: BP4, BP7

Ambry Genetics
Classification: Likely benign for Inborn genetic diseases. Last evaluated: 2022-05-26. Review status: criteria provided, single submitter. Criteria: Ambry Variant Classification Scheme 2023. Collection method: clinical testing. Allele origin: germline.

NM_001211.6(BUB1B):c.120G>A (p.Thr40=)

Gene: BUB1B (BUB1 mitotic checkpoint serine/threonine kinase B; plus strand). Cytogenetic location: 15q15.1.
Variant type: single nucleotide variant.
Coding change: c.120G>A on transcript NM_001211.6 (MANE Select); coding-DNA position 120, G replaced by A.
Protein change: p.Thr40=; no amino-acid change (threonine 40 retained).
Molecular consequence: synonymous variant.
Genome position (GRCh38, 1-based): chr15:40,165,137, G>A. VCF-style: chr15-40165137-G-A. GRCh37 (hg19) VCF-style: chr15-40457338-G-A.
Identifiers: ClinVar variation 1543286 (VCV001543286.16), dbSNP rs960840123, ClinGen allele CA268764750.
Genomic context (GRCh38, chr15:40,165,137, plus strand): 5'-TGAATGGGAACTGAGTAAAGAAAATGTACAACCTTTAAGGCAAGGGCGGATCATGTCCAC[G>A]CTTCAGGGAGCACTGGCACAAGAATCTGCCTGTAACAATACTCTTCAGCAGCAGAAACGG-3'
Protein context (NP_001202.5, residues 30-50): QPLRQGRIMS[Thr40=]LQGALAQESA